The following is an entry in ClinVar:

NM_000218.3(KCNQ1):c.1462G>A (p.Asp488Asn)

Genes: KCNQ1 (potassium voltage-gated channel subfamily Q member 1; plus strand), KCNQ1OT1 (KCNQ1 opposite strand/antisense transcript 1; minus strand). Cytogenetic location: 11p15.5.
Variant type: single nucleotide variant.
Coding change: c.1462G>A on transcript NM_000218.3 (MANE Select); coding-DNA position 1462, G replaced by A.
Protein change: p.Asp488Asn; replaces aspartic acid 488 with asparagine.
Molecular consequence: missense variant.
Genome position (GRCh38, 1-based): chr11:2,662,029, G>A. VCF-style: chr11-2662029-G-A. GRCh37 (hg19) VCF-style: chr11-2683259-G-A.
Other names: c.1081G>A, p.Asp361Asn (NM_181798.2); c.1366G>A, p.Asp456Asn (NM_001406836.1); c.1192G>A, p.Asp398Asn (NM_001406837.1); c.922G>A, p.Asp308Asn (NM_001406838.1); short protein forms D488N, D361N, D456N, D398N, D308N.
Identifiers: ClinVar variation 1490034 (VCV001490034.7), dbSNP rs2133856134, ClinGen allele CA379479630.

ClinVar aggregate classification (germline): Uncertain significance (1 of 4 stars; one submission).

Conditions:
Long QT syndrome (LQTS). Identifiers: MedGen C0023976, MeSH D008133, MONDO:0002442. Disease mechanism: loss of function. Inheritance: Various modes of inheritance.

Allele frequency attached by ClinVar (database versions not stated): gnomAD exomes 0.00001.
gnomAD v4.1: 4 of 1,614,216 alleles (0.00025%); no homozygotes.

Submission:

Labcorp Genetics (formerly Invitae), Labcorp
Classification: Uncertain significance for Long QT syndrome. Last evaluated: 2022-10-20. Review status: criteria provided, single submitter. Criteria: Invitae Variant Classification Sherloc (09022015). Collection method: clinical testing. Allele origin: germline.
Comment: This sequence change replaces aspartic acid, which is acidic and polar, with asparagine, which is neutral and polar, at codon 488 of the KCNQ1 protein (p.Asp488Asn). This variant is not present in population databases (gnomAD no frequency). This variant has not been reported in the literature in individuals affected with KCNQ1-related conditions. ClinVar contains an entry for this variant (Variation ID: 1490034). Advanced modeling of protein sequence and biophysical properties (such as structural, functional, and spatial information, amino acid conservation, physicochemical variation, residue mobility, and thermodynamic stability) has been performed at Invitae for this missense variant, however the output from this modeling did not meet the statistical confidence thresholds required to predict the impact of this variant on KCNQ1 protein function. In summary, the available evidence is currently insufficient to determine the role of this variant in disease. Therefore, it has been classified as a Variant of Uncertain Significance.